The following is an entry in ClinVar:

NM_001267550.2(TTN):c.81588T>A (p.Tyr27196Ter)

Genes: TTN (titin; minus strand), TTN-AS1 (TTN antisense RNA 1; plus strand). Cytogenetic location: 2q31.2.
Variant type: single nucleotide variant.
Coding change: c.81588T>A on transcript NM_001267550.2 (MANE Select); coding-DNA position 81588, T replaced by A.
Protein change: p.Tyr27196Ter; replaces tyrosine 27196 with a stop codon.
Molecular consequence: nonsense.
Genome position (GRCh38, 1-based): chr2:178,564,544, A>T on the plus strand (T>A on the coding strand, the complement: TTN is on the minus strand). VCF-style: chr2-178564544-A-T. GRCh37 (hg19) VCF-style: chr2-179429271-A-T.
Other names: c.76665T>A, p.Tyr25555Ter (NM_001256850.1); c.54393T>A, p.Tyr18131Ter (NM_003319.4); c.73884T>A, p.Tyr24628Ter (NM_133378.4); c.54768T>A, p.Tyr18256Ter (NM_133432.3); c.54969T>A, p.Tyr18323Ter (NM_133437.4); short protein forms Y18131*, Y18256*, Y24628*, Y27196*, Y18323*, Y25555*.
Identifiers: ClinVar variation 4785299 (VCV004785299.1).

ClinVar aggregate classification (germline): Likely pathogenic (1 of 4 stars; one submission).

Conditions:
Autosomal recessive limb-girdle muscular dystrophy type 2J (LGMDR10). Also called: Limb-girdle muscular dystrophy, type 2J; MUSCULAR DYSTROPHY, LIMB-GIRDLE, AUTOSOMAL RECESSIVE 10. Identifiers: Orphanet 140922, MedGen C1837342, MONDO:0012127, OMIM 608807.
Dilated cardiomyopathy 1G (CMD1G). Identifiers: Orphanet 154, MedGen C1858763, MONDO:0011400, OMIM 604145.

Submission:

Labcorp Genetics (formerly Invitae), Labcorp
Classification: Likely pathogenic for Dilated cardiomyopathy 1G; Autosomal recessive limb-girdle muscular dystrophy type 2J. Last evaluated: 2026-01-29. Review status: criteria provided, single submitter. Criteria: Invitae Variant Classification Sherloc (09022015). Collection method: clinical testing. Allele origin: germline.
Comment: This sequence change creates a premature translational stop signal (p.Tyr27196*) in the TTN gene. While this is not anticipated to result in nonsense mediated decay, it is expected to create a truncated TTN protein. This variant is not present in population databases (gnomAD no frequency). This premature translational stop signal has been observed in individual(s) with dilated cardiomyopathy (internal data). This variant is located in the A band of TTN (PMID: 25589632). Truncating variants in this region are significantly overrepresented in patients affected with dilated cardiomyopathy (PMID: 25589632). Truncating variants in this region have also been reported in individuals affected with autosomal recessive centronuclear myopathy (PMID: 23975875). In summary, the currently available evidence indicates that the variant is pathogenic, but additional data are needed to prove that conclusively. Therefore, this variant has been classified as Likely Pathogenic.

Literature cited by the submitters: PubMed 25589632; PubMed 23975875.